The following is an entry in ClinVar:

NM_002471.4(MYH6):c.1156G>A (p.Ala386Thr)

Gene: MYH6 (myosin heavy chain 6; minus strand). Cytogenetic location: 14q11.2.
Variant type: single nucleotide variant.
Coding change: c.1156G>A on transcript NM_002471.4 (MANE Select); coding-DNA position 1156, G replaced by A.
Protein change: p.Ala386Thr; replaces alanine 386 with threonine.
Molecular consequence: missense variant.
Genome position (GRCh38, 1-based): chr14:23,400,963, C>T on the plus strand (G>A on the coding strand, the complement: MYH6 is on the minus strand). VCF-style: chr14-23400963-C-T. GRCh37 (hg19) VCF-style: chr14-23870172-C-T.
Other names: short protein forms A386T.
Identifiers: ClinVar variation 1735480 (VCV001735480.7), dbSNP rs146468868, ClinGen allele CA7115862.

ClinVar aggregate classification (germline): Uncertain significance. Review status: criteria provided, multiple submitters, no conflicts (2 of 4 stars). 2 submissions from 2 submitters: Uncertain significance (2). Last evaluated 2025-11-18.

Conditions:
Hypertrophic cardiomyopathy 14. Identifiers: MedGen C2750467, MONDO:0013197, OMIM 613251.
Cardiovascular phenotype. Identifiers: MedGen CN230736.

Allele frequency attached by ClinVar (database versions not stated): ExAC 0.00002; gnomAD 0.00008; TOPMed 0.00011; ESP Exome Variant Server 0.00031.
gnomAD v4.1: 25 of 1,614,020 alleles (0.0015%); highest among the groups gnomAD compares: African/African-American, 0.027%; no homozygotes.

Submissions (2):

Labcorp Genetics (formerly Invitae), Labcorp
Classification: Uncertain significance for Hypertrophic cardiomyopathy 14. Last evaluated: 2025-11-18. Review status: criteria provided, single submitter. Criteria: Invitae Variant Classification Sherloc (09022015). Collection method: clinical testing. Allele origin: germline.
Comment: This sequence change replaces alanine, which is neutral and non-polar, with threonine, which is neutral and polar, at codon 386 of the MYH6 protein (p.Ala386Thr). This variant is present in population databases (rs146468868, gnomAD 0.04%). This variant has not been reported in the literature in individuals affected with MYH6-related conditions. ClinVar contains an entry for this variant (Variation ID: 1735480). Invitae Evidence Modeling of protein sequence and biophysical properties (such as structural, functional, and spatial information, amino acid conservation, physicochemical variation, residue mobility, and thermodynamic stability) indicates that this missense variant is not expected to disrupt MYH6 protein function with a negative predictive value of 80%. In summary, the available evidence is currently insufficient to determine the role of this variant in disease. Therefore, it has been classified as a Variant of Uncertain Significance.

Ambry Genetics
Classification: Uncertain significance for Cardiovascular phenotype. Last evaluated: 2023-10-20. Review status: criteria provided, single submitter. Criteria: Ambry Variant Classification Scheme 2023. Collection method: clinical testing. Allele origin: germline.
Comment: The p.A386T variant (also known as c.1156G>A), located in coding exon 11 of the MYH6 gene, results from a G to A substitution at nucleotide position 1156. The alanine at codon 386 is replaced by threonine, an amino acid with similar properties. This amino acid position is conserved. In addition, this alteration is predicted to be deleterious by in silico analysis. Since supporting evidence is limited at this time, the clinical significance of this alteration remains unclear.